The following is an entry in ClinVar:

NM_033453.4(ITPA):c.538C>T (p.Arg180Trp)

Gene: ITPA (inosine triphosphatase; plus strand). Cytogenetic location: 20p13.
Variant type: single nucleotide variant.
Coding change: c.538C>T on transcript NM_033453.4 (MANE Select); coding-DNA position 538, C replaced by T.
Protein change: p.Arg180Trp; replaces arginine 180 with tryptophan.
Molecular consequence: missense variant. On other transcripts: synonymous variant (5), non-coding transcript variant (2), intron variant (1).
Genome position (GRCh38, 1-based): chr20:3,223,415, C>T. VCF-style: chr20-3223415-C-T. GRCh37 (hg19) VCF-style: chr20-3204061-C-T.
Other names: c.415C>T, p.Arg139Trp (NM_001267623.2); c.201C>T, p.Ser67= (NM_001324236.2, NM_001324237.2, NM_001324238.2 and 1 more transcripts); c.585C>T, p.Ser195= (NM_001424408.1); c.664C>T, p.Arg222Trp (NM_001424409.1); c.487C>T, p.Arg163Trp (NM_181493.4); c.412-3268C>T (NM_001324240.2); c.538C>T (NM_033453.2); short protein forms R139W, R163W, R180W, R222W.
Identifiers: ClinVar variation 1935004 (VCV001935004.4), dbSNP rs771060121, ClinGen allele CA9741364.

ClinVar aggregate classification (germline): Uncertain significance. Review status: criteria provided, multiple submitters, no conflicts (2 of 4 stars). 3 submissions from 3 submitters: Uncertain significance (3). Last evaluated 2024-08-05.

Conditions:
Inborn genetic diseases. Identifiers: MedGen C0950123, MeSH D030342.
Inosine triphosphatase deficiency. Also called: INOSINE TRIPHOSPHATE PYROPHOSPHOHYDROLASE DEFICIENCY. Identifiers: MedGen C0342800, MONDO:0013461, OMIM 613850.

gnomAD v4.1: 13 of 1,613,930 alleles (0.00081%); highest among the groups gnomAD compares: Admixed American, 0.0017%; no homozygotes.

Submissions (3):

Ambry Genetics
Classification: Uncertain significance for Inborn genetic diseases. Last evaluated: 2024-08-05. Review status: criteria provided, single submitter. Criteria: Ambry Variant Classification Scheme 2023. Collection method: clinical testing. Allele origin: germline.

Blueprint Genetics
Classification: Uncertain significance. Last evaluated: 2024-05-17. Review status: criteria provided, single submitter. Criteria: ACMG Guidelines, 2015. Collection method: clinical testing. Allele origin: germline.

Labcorp Genetics (formerly Invitae), Labcorp
Classification: Uncertain significance for Inosine triphosphatase deficiency. Last evaluated: 2022-06-15. Review status: criteria provided, single submitter. Criteria: Invitae Variant Classification Sherloc (09022015). Collection method: clinical testing. Allele origin: germline.
Comment: This sequence change replaces arginine, which is basic and polar, with tryptophan, which is neutral and slightly polar, at codon 180 of the ITPA protein (p.Arg180Trp). This variant is present in population databases (rs771060121, gnomAD 0.007%). This variant has not been reported in the literature in individuals affected with ITPA-related conditions. Algorithms developed to predict the effect of missense changes on protein structure and function (SIFT, PolyPhen-2, Align-GVGD) all suggest that this variant is likely to be disruptive. In summary, the available evidence is currently insufficient to determine the role of this variant in disease. Therefore, it has been classified as a Variant of Uncertain Significance.